The following is an entry in ClinVar:

ClinVar aggregate classification (germline): Uncertain significance. Review status: criteria provided, multiple submitters, no conflicts (2 of 4 stars). 2 submissions from 2 submitters: Uncertain significance (2). Last evaluated 2025-04-15.

Allele frequency attached by ClinVar (database versions not stated): gnomAD exomes below 0.00001 and 0.00001; ExAC 0.00002; gnomAD 0.00004 and 0.00005; TOPMed 0.00005.
gnomAD v4.1: 15 of 1,614,102 alleles (0.00093%); highest among the groups gnomAD compares: African/African-American, 0.017%; no homozygotes.

Submissions (2):

GeneDx
Classification: Uncertain significance. Last evaluated: 2025-04-15. Review status: criteria provided, single submitter. Criteria: GeneDx Variant Classification Process June 2021. Collection method: clinical testing. Allele origin: germline. Affected: yes.
Comment: Has not been previously published as pathogenic or benign to our knowledge; In silico analysis indicates that this missense variant does not alter protein structure/function

Athena Diagnostics
Classification: Uncertain significance. Last evaluated: 2017-12-19. Review status: criteria provided, single submitter. Criteria: Athena Diagnostics Criteria. Collection method: clinical testing. Allele origin: germline.

NM_006796.3(AFG3L2):c.2047A>G (p.Met683Val)

Gene: AFG3L2 (AFG3 like matrix AAA peptidase subunit 2; minus strand). Cytogenetic location: 18p11.21.
Variant type: single nucleotide variant.
Coding change: c.2047A>G on transcript NM_006796.3 (MANE Select); coding-DNA position 2047, A replaced by G.
Protein change: p.Met683Val; replaces methionine 683 with valine.
Molecular consequence: missense variant.
Genome position (GRCh38, 1-based): chr18:12,337,469, T>C on the plus strand (A>G on the coding strand, the complement: AFG3L2 is on the minus strand). VCF-style: chr18-12337469-T-C. GRCh37 (hg19) VCF-style: chr18-12337468-T-C.
Other names: short protein forms M683V.
Identifiers: ClinVar variation 586460 (VCV000586460.3), dbSNP rs751855138, ClinGen allele CA8896316.
Genomic context (GRCh38, chr18:12,337,469, plus strand): 5'-TTCGTACTTCATCATCTATCAATCTTGCAGTGGCTTCACTGTAAGGTTTCTCCAATACCA[T>C]GTCCCCCTGACGTGGGAGGTCAAAGGAGATTTGCCCAACCTTTTCATTCATGCCAAACTG-3'
Protein context (NP_006787.2, residues 673-693): ISFDLPRQGD[Met683Val]VLEKPYSEAT